The following is an entry in ClinVar:

NM_001369.3(DNAH5):c.8077G>A (p.Glu2693Lys)

Gene: DNAH5 (dynein axonemal heavy chain 5; minus strand). Cytogenetic location: 5p15.2.
Variant type: single nucleotide variant.
Coding change: c.8077G>A on transcript NM_001369.3 (MANE Select); coding-DNA position 8077, G replaced by A.
Protein change: p.Glu2693Lys; replaces glutamic acid 2693 with lysine.
Molecular consequence: missense variant.
Genome position (GRCh38, 1-based): chr5:13,793,662, C>T on the plus strand (G>A on the coding strand, the complement: DNAH5 is on the minus strand). VCF-style: chr5-13793662-C-T. GRCh37 (hg19) VCF-style: chr5-13793771-C-T.
Other names: short protein forms E2693K.
Identifiers: ClinVar variation 958111 (VCV000958111.10), dbSNP rs1757368494, ClinGen allele CA359221452.
Genomic context (GRCh38, chr5:13,793,662, plus strand): 5'-GTCCACCACCAGGATGGATCATGGCTGCCAAAAACTGGATGTCCACGATGCTGGTGAACT[C>T]CCCAGGCTTCTCTAGATTATAGAATCCATTTTGTTCCATCAGCTGTCGCACTATCTCATT-3'
Protein context (NP_001360.1, residues 2683-2703): NGFYNLEKPG[Glu2693Lys]FTSIVDIQFL

ClinVar aggregate classification (germline): Uncertain significance (1 of 4 stars; one submission).

Conditions:
Primary ciliary dyskinesia. Also called: Ciliary dyskinesia. Identifiers: Orphanet 244, MedGen C0008780, MONDO:0016575, HP:0012265.

Submission:

Labcorp Genetics (formerly Invitae), Labcorp
Classification: Uncertain significance for Primary ciliary dyskinesia. Last evaluated: 2020-03-16. Review status: criteria provided, single submitter. Criteria: Invitae Variant Classification Sherloc (09022015). Collection method: clinical testing. Allele origin: germline.
Comment: This sequence change replaces glutamic acid with lysine at codon 2693 of the DNAH5 protein (p.Glu2693Lys). The glutamic acid residue is highly conserved and there is a small physicochemical difference between glutamic acid and lysine. This variant is not present in population databases (ExAC no frequency). This variant has been observed to be in combination with another DNAH5 variant in a family with clinical features of with DNAH5-related conditions (Invitae). Algorithms developed to predict the effect of missense changes on protein structure and function are either unavailable or do not agree on the potential impact of this missense change (SIFT: "Deleterious"; PolyPhen-2: "Possibly Damaging"; Align-GVGD: "Class C15"). In summary, the available evidence is currently insufficient to determine the role of this variant in disease. Therefore, it has been classified as a Variant of Uncertain Significance.